The following is an entry in ClinVar:

NM_002972.4(SBF1):c.2663G>A (p.Arg888His)

Gene: SBF1 (SET binding factor 1; minus strand). Cytogenetic location: 22q13.33.
Variant type: single nucleotide variant.
Coding change: c.2663G>A on transcript NM_002972.4 (MANE Select); coding-DNA position 2663, G replaced by A.
Protein change: p.Arg888His; replaces arginine 888 with histidine.
Molecular consequence: missense variant.
Genome position (GRCh38, 1-based): chr22:50,461,699, C>T on the plus strand (G>A on the coding strand, the complement: SBF1 is on the minus strand). VCF-style: chr22-50461699-C-T. GRCh37 (hg19) VCF-style: chr22-50900128-C-T.
Other names: c.2663G>A (NM_002972.2, NM_002972.3); c.2666G>A, p.Arg889His (NM_001365819.1); short protein forms R888H, R889H.
Identifiers: ClinVar variation 994338 (VCV000994338.48), dbSNP rs201519518, ClinGen allele CA10317096.

ClinVar aggregate classification (germline): Conflicting classifications of pathogenicity. Review status: criteria provided, conflicting classifications (1 of 4 stars). 6 submissions from 6 submitters: Uncertain significance (5); Benign (1). Last evaluated 2026-03-11.

Conditions:
Charcot-Marie-Tooth disease type 4B3. Also called: Charcot-Marie-Tooth Neuropathy Type 4B3; CHARCOT-MARIE-TOOTH DISEASE, DEMYELINATING, TYPE 4B3. Identifiers: Orphanet 363981, MedGen C3695063, MONDO:0014117, OMIM 615284.
Tip-toe gait. Also called: Toe walking. Identifiers: MedGen C0427144, HP:0030051.

Allele frequency attached by ClinVar (database versions not stated): 1000 Genomes Project 30x 0.00016; 1000 Genomes Project 0.00020; ESP Exome Variant Server 0.00032; TOPMed 0.00032.
gnomAD v4.1: 946 of 1,609,550 alleles (0.059%); highest among the groups gnomAD compares: Non-Finnish European, 0.074%; 1 homozygote.

Submissions (6):

Women's Health and Genetics/Laboratory Corporation of America, LabCorp
Classification: Uncertain significance. Last evaluated: 2026-03-11. Review status: criteria provided, single submitter. Criteria: LabCorp Variant Classification Summary - May 2015. Collection method: clinical testing. Allele origin: germline.
Comment: Variant summary: SBF1 c.2663G>A (p.Arg888His) results in a non-conservative amino acid change in the encoded protein sequence. Algorithms developed to predict the effect of missense changes on protein structure and function are either unavailable or do not agree on the potential impact of this missense change. The variant allele was found at a frequency of 0.00031 in 236724 control chromosomes. This frequency is not significantly higher than estimated for disease-causing variants in SBF1, allowing no conclusion about variant significance. To our knowledge, no occurrence of c.2663G>A in individuals affected with SBF1-related conditions and no experimental evidence demonstrating its impact on protein function have been reported. ClinVar contains an entry for this variant (Variation ID: 994338). Based on the evidence outlined above, the variant was classified as uncertain significance.

Ambry Genetics
Classification: Uncertain significance. Last evaluated: 2025-08-12. Review status: criteria provided, single submitter. Criteria: Ambry Variant Classification Scheme 2023. Collection method: clinical testing. Allele origin: germline.

CeGaT Center for Human Genetics Tuebingen
Classification: Uncertain significance. Last evaluated: 2024-02-01. Review status: criteria provided, single submitter. Criteria: CeGaT Center For Human Genetics Tuebingen Variant Classification Criteria Version 2. Collection method: clinical testing. Allele origin: germline. Affected: yes. Observed: 2 variant alleles.

Labcorp Genetics (formerly Invitae), Labcorp
Classification: Uncertain significance. Last evaluated: 2022-10-26. Review status: criteria provided, single submitter. Criteria: Invitae Variant Classification Sherloc (09022015). Collection method: clinical testing. Allele origin: germline.
Comment: This sequence change replaces arginine, which is basic and polar, with histidine, which is basic and polar, at codon 888 of the SBF1 protein (p.Arg888His). This variant is present in population databases (rs201519518, gnomAD 0.09%). This variant has not been reported in the literature in individuals affected with SBF1-related conditions. ClinVar contains an entry for this variant (Variation ID: 994338). Advanced modeling of protein sequence and biophysical properties (such as structural, functional, and spatial information, amino acid conservation, physicochemical variation, residue mobility, and thermodynamic stability) performed at Invitae indicates that this missense variant is not expected to disrupt SBF1 protein function. In summary, the available evidence is currently insufficient to determine the role of this variant in disease. Therefore, it has been classified as a Variant of Uncertain Significance.

ARUP Laboratories, Molecular Genetics and Genomics, ARUP Laboratories
Classification: Uncertain significance for Charcot-Marie-Tooth disease type 4B3. Last evaluated: 2019-08-13. Review status: criteria provided, single submitter. Criteria: ARUP Molecular Germline Variant Investigation Process. Collection method: clinical testing. Allele origin: germline.
Comment: The SBF1 c.2663G>A; p.Arg888His variant (rs201519518), to our knowledge, has not been reported in the medical literature or gene specific databases. This variant is found in the general population with an overall allele frequency of 0.03% (78/268,084 alleles) in the Genome Aggregation Database. The arginine at codon 888 is weakly conserved (Alamut v.2.11) and computational analyses (SIFT, PolyPhen-2) predict that this variant is tolerated. However, based on the available information, the clinical significance of this variant is uncertain

Practice for Gait Abnormalities, David Pomarino, Competency Network Toe Walking C/o Practice Pomarino
Classification: Benign for Tip-toe gait. Review status: criteria provided, single submitter. Criteria: Pomarino et al. (Glob Med Genet. 2026). Collection method: clinical testing. Allele origin: germline. Affected: yes.